The following is an entry in ClinVar:

NM_000257.4(MYH7):c.717C>G (p.Asp239Glu)

Gene: MYH7 (myosin heavy chain 7; minus strand). Cytogenetic location: 14q11.2.
Variant type: single nucleotide variant.
Coding change: c.717C>G on transcript NM_000257.4 (MANE Select); coding-DNA position 717, C replaced by G.
Protein change: p.Asp239Glu; replaces aspartic acid 239 with glutamic acid.
Molecular consequence: missense variant.
Genome position (GRCh38, 1-based): chr14:23,431,600, G>C on the plus strand (C>G on the coding strand, the complement: MYH7 is on the minus strand). VCF-style: chr14-23431600-G-C. GRCh37 (hg19) VCF-style: chr14-23900809-G-C.
Other names: c.717C>G (LRG_384t1); short protein forms D239E.
Identifiers: ClinVar variation 235036 (VCV000235036.6), dbSNP rs876661376, ClinGen allele CA10581181.

ClinVar aggregate classification (germline): Uncertain significance. Review status: criteria provided, multiple submitters, no conflicts (2 of 4 stars). 2 submissions from 2 submitters: Uncertain significance (2). Last evaluated 2023-04-16.

Conditions:
Hypertrophic cardiomyopathy. Also called: HYPERTROPHIC MYOCARDIOPATHY. Identifiers: Orphanet 217569, MedGen C0007194, MeSH D002312, MONDO:0005045, HP:0001639.

Submissions (2):

Labcorp Genetics (formerly Invitae), Labcorp
Classification: Uncertain significance for Hypertrophic cardiomyopathy. Last evaluated: 2023-04-16. Review status: criteria provided, single submitter. Criteria: Invitae Variant Classification Sherloc (09022015). Collection method: clinical testing. Allele origin: germline.
Comment: This variant is not present in population databases (gnomAD no frequency). This missense change has been observed in individual(s) with hypertrophic cardiomyopathy (PMID: 27247418). ClinVar contains an entry for this variant (Variation ID: 235036). Advanced modeling of protein sequence and biophysical properties (such as structural, functional, and spatial information, amino acid conservation, physicochemical variation, residue mobility, and thermodynamic stability) performed at Invitae indicates that this missense variant is expected to disrupt MYH7 protein function. In summary, the available evidence is currently insufficient to determine the role of this variant in disease. Therefore, it has been classified as a Variant of Uncertain Significance. This sequence change replaces aspartic acid, which is acidic and polar, with glutamic acid, which is acidic and polar, at codon 239 of the MYH7 protein (p.Asp239Glu).

Stanford Center for Inherited Cardiovascular Disease, Stanford University
Classification: Uncertain significance. Last evaluated: 2012-01-17. Review status: criteria provided, single submitter. Criteria: ACMG Guidelines, 2015. Collection method: provider interpretation. Allele origin: germline.

Literature cited by the submitters: PubMed 27247418 (cited by Labcorp Genetics (formerly Invitae), Labcorp).